The following is an entry in ClinVar:

NM_201384.3(PLEC):c.11315G>A (p.Arg3772His)

Gene: PLEC (plectin; minus strand). Cytogenetic location: 8q24.3.
Variant type: single nucleotide variant.
Coding change: c.11315G>A on transcript NM_201384.3 (MANE Select); coding-DNA position 11315, G replaced by A.
Protein change: p.Arg3772His; replaces arginine 3772 with histidine.
Molecular consequence: missense variant.
Genome position (GRCh38, 1-based): chr8:143,918,506, C>T on the plus strand (G>A on the coding strand, the complement: PLEC is on the minus strand). VCF-style: chr8-143918506-C-T. GRCh37 (hg19) VCF-style: chr8-144992674-C-T.
Other names: c.11396G>A, p.Arg3799His (NM_000445.5); c.11273G>A, p.Arg3758His (NM_201378.4); c.11249G>A, p.Arg3750His (NM_201379.3); c.11726G>A, p.Arg3909His (NM_201380.4); c.11219G>A, p.Arg3740His (NM_201381.3); c.11315G>A, p.Arg3772His (NM_201382.4); c.11327G>A, p.Arg3776His (NM_201383.3); c.11396G>A (NM_000445.3); short protein forms R3758H, R3776H, R3740H, R3750H, R3772H, R3799H, R3909H.
Identifiers: ClinVar variation 947144 (VCV000947144.16), dbSNP rs373965625, ClinGen allele CA4924380.

ClinVar aggregate classification (germline): Uncertain significance. Review status: criteria provided, multiple submitters, no conflicts (2 of 4 stars). 4 submissions from 4 submitters: Uncertain significance (4). Last evaluated 2026-08-28.

Conditions:
Autosomal recessive limb-girdle muscular dystrophy type 2Q (LGMDR17). Also called: MUSCULAR DYSTROPHY, LIMB-GIRDLE, AUTOSOMAL RECESSIVE 17. Identifiers: Orphanet 254361, MedGen C3150989, MONDO:0013390, OMIM 613723.
Epidermolysis bullosa simplex, Ogna type (EBS5A). Also called: Pidermolysis bullosa simplex 5A, Ogna type; EPIDERMOLYSIS BULLOSA SIMPLEX 5A, OGNA TYPE. Identifiers: Orphanet 79401, MedGen C0432317, MONDO:0007555, OMIM 131950.
Epidermolysis bullosa simplex 5B, with muscular dystrophy (EBS5B). Also called: Epidermolysis bullosa simplex with muscular dystrophy; EPIDERMOLYSIS BULLOSA SIMPLEX AND LIMB-GIRDLE MUSCULAR DYSTROPHY. Identifiers: Orphanet 257, MedGen C2931072, MONDO:0009181, OMIM 226670.
Epidermolysis bullosa simplex with nail dystrophy (EBS5D). Identifiers: MedGen C4225309, MONDO:0014661, OMIM 616487.
Epidermolysis bullosa simplex 5C, with pyloric atresia (EBS5C). Also called: PLEC1-Related Epidermolysis Bullosa with Pyloric Atresia; PLEC-Related Epidermolysis Bullosa with Pyloric Atresia; Epidermolysis bullosa simplex with pyloric atresia. Identifiers: Orphanet 158684, MedGen C2677349, MONDO:0012807, OMIM 612138.
Inborn genetic diseases. Identifiers: MedGen C0950123, MeSH D030342.
PLEC-related disorder. Also called: PLEC-related disorders; PLEC-related condition.

Allele frequency attached by ClinVar (database versions not stated): ExAC 0.00003; gnomAD 0.00003 and 0.00004; gnomAD exomes 0.00003; TOPMed 0.00004; ESP Exome Variant Server 0.00016.
gnomAD v4.1: 41 of 1,604,668 alleles (0.0026%); highest among the groups gnomAD compares: South Asian, 0.0077%; no homozygotes.

Submissions (4):

PreventionGenetics, part of Exact Sciences
Classification: Uncertain significance for PLEC-related condition. Last evaluated: 2026-08-28. Review status: criteria provided, single submitter. Criteria: ACMG Guidelines, 2015. Collection method: clinical testing. Allele origin: germline.
Comment: The PLEC c.11396G>A variant is predicted to result in the amino acid substitution p.Arg3799His. To our knowledge, this variant has not been reported in the literature. This variant is reported in 0.0077% of alleles in individuals of African descent in gnomAD. At this time, the clinical significance of this variant is uncertain due to the absence of conclusive functional and genetic evidence.

Ambry Genetics
Classification: Uncertain significance for Inborn genetic diseases. Last evaluated: 2025-08-10. Review status: criteria provided, single submitter. Criteria: Ambry Variant Classification Scheme 2023. Collection method: clinical testing. Allele origin: germline.

Labcorp Genetics (formerly Invitae), Labcorp
Classification: Uncertain significance for Autosomal recessive limb-girdle muscular dystrophy type 2Q; Epidermolysis bullosa simplex, Ogna type; Epidermolysis bullosa simplex with nail dystrophy; Epidermolysis bullosa simplex 5C, with pyloric atresia; Epidermolysis bullosa simplex 5B, with muscular dystrophy. Last evaluated: 2023-10-13. Review status: criteria provided, single submitter. Criteria: Invitae Variant Classification Sherloc (09022015). Collection method: clinical testing. Allele origin: germline.
Comment: This sequence change replaces arginine, which is basic and polar, with histidine, which is basic and polar, at codon 3799 of the PLEC protein (p.Arg3799His). This variant is present in population databases (rs373965625, gnomAD 0.008%). This variant has not been reported in the literature in individuals affected with PLEC-related conditions. ClinVar contains an entry for this variant (Variation ID: 947144). An algorithm developed to predict the effect of missense changes on protein structure and function (PolyPhen-2) suggests that this variant is likely to be disruptive. In summary, the available evidence is currently insufficient to determine the role of this variant in disease. Therefore, it has been classified as a Variant of Uncertain Significance.

Revvity Omics, Revvity
Classification: Uncertain significance. Last evaluated: 2020-03-18. Review status: criteria provided, single submitter. Criteria: ACMG Guidelines, 2015. Collection method: clinical testing. Allele origin: germline.